The following is an entry in ClinVar:

ClinVar aggregate classification (germline): Uncertain significance (1 of 4 stars; one submission).

Conditions:
Brachyolmia-amelogenesis imperfecta syndrome. Also called: PLATYSPONDYLY WITH AMELOGENESIS IMPERFECTA; Tooth agenesis, selective, 6; Dental anomalies and short stature. Identifiers: Orphanet 2899, MedGen C1832594, MONDO:0011018, OMIM 601216. Disease mechanism: loss of function.

Submission:

Labcorp Genetics (formerly Invitae), Labcorp
Classification: Uncertain significance for Brachyolmia-amelogenesis imperfecta syndrome. Last evaluated: 2025-12-02. Review status: criteria provided, single submitter. Criteria: Invitae Variant Classification Sherloc (09022015). Collection method: clinical testing. Allele origin: germline.
Comment: This sequence change replaces arginine, which is basic and polar, with cysteine, which is neutral and slightly polar, at codon 562 of the LTBP3 protein (p.Arg562Cys). This variant is not present in population databases (gnomAD no frequency). This variant has not been reported in the literature in individuals affected with LTBP3-related conditions. An algorithm developed to predict the effect of missense changes on protein structure and function (PolyPhen-2) suggests that this variant is likely to be disruptive. In summary, the available evidence is currently insufficient to determine the role of this variant in disease. Therefore, it has been classified as a Variant of Uncertain Significance.

NM_001130144.3(LTBP3):c.1684C>T (p.Arg562Cys)

Gene: LTBP3 (latent transforming growth factor beta binding protein 3; minus strand). Cytogenetic location: 11q13.1.
Variant type: single nucleotide variant.
Coding change: c.1684C>T on transcript NM_001130144.3 (MANE Select); coding-DNA position 1684, C replaced by T.
Protein change: p.Arg562Cys; replaces arginine 562 with cysteine.
Molecular consequence: missense variant.
Genome position (GRCh38, 1-based): chr11:65,551,162, G>A on the plus strand (C>T on the coding strand, the complement: LTBP3 is on the minus strand). VCF-style: chr11-65551162-G-A. GRCh37 (hg19) VCF-style: chr11-65318633-G-A.
Other names: c.1333C>T, p.Arg445Cys (NM_001164266.1); c.1684C>T, p.Arg562Cys (NM_021070.4); short protein forms R445C, R562C.
Identifiers: ClinVar variation 4731798 (VCV004731798.1).